The following is an entry in ClinVar:

ClinVar aggregate classification (germline): Pathogenic. Review status: reviewed by expert panel (3 of 4 stars). 6 submissions from 6 submitters: Pathogenic (1). 5 of the submissions do not count toward it. Last evaluated 2016-10-18.

Conditions:
Breast-ovarian cancer, familial, susceptibility to, 2 (BROVCA2). Also called: BRCA2 Hereditary Breast and Ovarian Cancer. Identifiers: Orphanet 145, MedGen C2675520, MONDO:0012933, OMIM 612555. Disease mechanism: loss of function.
Hereditary cancer-predisposing syndrome. Also called: Hereditary neoplastic syndrome; Neoplastic Syndromes, Hereditary; Tumor predisposition; Hereditary Cancer Syndrome. Identifiers: Orphanet 140162, MedGen C0027672, MeSH D009386, MONDO:0015356.
Hereditary breast ovarian cancer syndrome. Also called: BRCA1- and BRCA2-Associated Hereditary Breast and Ovarian Cancer; Hereditary breast and ovarian cancer; Breast and ovarian cancer; Hereditary breast and/or ovarian cancer syndrome; Hereditary breast and ovarian cancer syndrome; Hereditary breast and ovarian cancer syndrome (HBOC). Identifiers: Orphanet 145, MedGen C0677776, MeSH D061325, MONDO:0003582. Disease mechanism: loss of function.

Submissions (6):

Evidence-based Network for the Interpretation of Germline Mutant Alleles (ENIGMA)
Classification: Pathogenic for Breast-ovarian cancer, familial, susceptibility to, 2. Last evaluated: 2016-10-18. Review status: reviewed by expert panel. Criteria: ENIGMA BRCA1/2 Classification Criteria (2015). Collection method: curation. Allele origin: germline.
Comment: Variant allele predicted to encode a truncated non-functional protein.

Ambry Genetics
Classification: Pathogenic for Hereditary cancer-predisposing syndrome. Last evaluated: 2025-09-09. Review status: criteria provided, single submitter. Criteria: Ambry Variant Classification Scheme 2023. Collection method: clinical testing. Allele origin: germline. Not counted in ClinVar's aggregate classification.
Comment: The p.Q1934* pathogenic mutation (also known as c.5800C>T), located in coding exon 10 of the BRCA2 gene, results from a C to T substitution at nucleotide position 5800. This changes the amino acid from a glutamine to a stop codon within coding exon 10. This variant is considered to be rare based on population cohorts in the Genome Aggregation Database (gnomAD). This alteration is expected to result in loss of function by premature protein truncation or nonsense-mediated mRNA decay. Based on the supporting evidence, this variant is interpreted as a disease-causing mutation.

Laboratory for Molecular Medicine, Mass General Brigham Personalized Medicine
Classification: Pathogenic for Hereditary breast ovarian cancer syndrome. Last evaluated: 2022-11-03. Review status: criteria provided, single submitter. Criteria: ACMG Guidelines, 2015. Collection method: clinical testing. Allele origin: germline. Not counted in ClinVar's aggregate classification.
Comment: The p.Gln1934X variant in BRCA2 has been reported in at least 2 individuals affected with breast cancer (Palmero 2018 PMID: 29907814, de Souza Timoteo 2018 PMID: 30159786, Rebbeck 2018 PMID: 29446198). This variant was classified as Pathogenic on October 18, 2016 by the ClinGen-approved Evidence-based Network for the Interpretation of Germline Mutant Alleles (ENIGMA) (Variation ID 266895) and was absent from large population studies. This nonsense variant leads to a premature termination codon at position 1934, which is predicted to lead to a truncated or absent protein. Loss of function of the BRCA2 gene is an established disease mechanism in autosomal dominant hereditary breast and ovarian cancer (HBOC) syndrome. In summary, this variant meets criteria to be classified as pathogenic for autosomal dominant HBOC syndrome. ACMG/AMP Criteria applied: PM2_supporting, PVS1, PS4_Supporting.

Revvity Omics, Revvity
Classification: Likely pathogenic. Last evaluated: 2021-10-25. Review status: criteria provided, single submitter. Criteria: ACMG Guidelines, 2015. Collection method: clinical testing. Allele origin: germline. Not counted in ClinVar's aggregate classification.

Mendelics
Classification: Likely pathogenic for Breast-ovarian cancer, familial, susceptibility to, 2. Last evaluated: 2019-05-28. Review status: criteria provided, single submitter. Criteria: Mendelics Assertion Criteria 2017. Collection method: clinical testing. Allele origin: unknown. Not counted in ClinVar's aggregate classification.

Consortium of Investigators of Modifiers of BRCA1/2 (CIMBA), c/o University of Cambridge
Classification: Pathogenic for Breast-ovarian cancer, familial, susceptibility to, 2. Last evaluated: 2015-10-02. Review status: criteria provided, single submitter. Criteria: CIMBA Mutation Classification guidelines May 2016. Collection method: clinical testing. Allele origin: germline. Not counted in ClinVar's aggregate classification.

NM_000059.4(BRCA2):c.5800C>T (p.Gln1934Ter)

Gene: BRCA2 (BRCA2 DNA repair associated; plus strand). Cytogenetic location: 13q13.1.
Variant type: single nucleotide variant.
Coding change: c.5800C>T on transcript NM_000059.4 (MANE Select); coding-DNA position 5800, C replaced by T.
Protein change: p.Gln1934Ter; replaces glutamine 1934 with a stop codon.
Molecular consequence: nonsense.
Genome position (GRCh38, 1-based): chr13:32,340,155, C>T. VCF-style: chr13-32340155-C-T. GRCh37 (hg19) VCF-style: chr13-32914292-C-T.
Other names: 6028C>T; short protein forms Q1934*.
Identifiers: ClinVar variation 266895 (VCV000266895.14), dbSNP rs886040610, ClinGen allele CA10589329.